The following is an entry in ClinVar:

ClinVar aggregate classification (germline): Uncertain significance (1 of 4 stars; one submission).

Conditions:
Joubert syndrome 23 (JBTS23). Identifiers: Orphanet 475, MedGen C4084822, MONDO:0014664, OMIM 616490.
Short-rib thoracic dysplasia 14 with polydactyly (SRTD14). Identifiers: Orphanet 397715, MedGen C4225286, MONDO:0014688, OMIM 616546.

Allele frequency attached by ClinVar (database versions not stated): gnomAD 0.00001; gnomAD exomes 0.00001; ExAC 0.00004; 1000 Genomes Project 30x 0.00031; 1000 Genomes Project 0.00040.
gnomAD v4.1: 16 of 1,602,066 alleles (0.001%); highest among the groups gnomAD compares: South Asian, 0.0056%; no homozygotes.

Submission:

Labcorp Genetics (formerly Invitae), Labcorp
Classification: Uncertain significance for Joubert syndrome 23; Short-rib thoracic dysplasia 14 with polydactyly. Last evaluated: 2022-06-13. Review status: criteria provided, single submitter. Criteria: Invitae Variant Classification Sherloc (09022015). Collection method: clinical testing. Allele origin: germline.
Comment: This sequence change replaces valine, which is neutral and non-polar, with isoleucine, which is neutral and non-polar, at codon 215 of the KIAA0586 protein (p.Val215Ile). The frequency data for this variant in the population databases is considered unreliable, as metrics indicate poor data quality at this position in the gnomAD database. This variant has not been reported in the literature in individuals affected with KIAA0586-related conditions. ClinVar contains an entry for this variant (Variation ID: 998645). Algorithms developed to predict the effect of missense changes on protein structure and function output the following: SIFT: "Tolerated"; PolyPhen-2: "Benign"; Align-GVGD: "Class C0". The isoleucine amino acid residue is found in multiple mammalian species, which suggests that this missense change does not adversely affect protein function. In summary, the available evidence is currently insufficient to determine the role of this variant in disease. Therefore, it has been classified as a Variant of Uncertain Significance.

NM_001329943.3(KIAA0586):c.484G>A (p.Val162Ile)

Gene: KIAA0586 (KIAA0586; plus strand). Cytogenetic location: 14q23.1.
Variant type: single nucleotide variant.
Coding change: c.484G>A on transcript NM_001329943.3 (MANE Select); coding-DNA position 484, G replaced by A.
Protein change: p.Val162Ile; replaces valine 162 with isoleucine.
Molecular consequence: missense variant.
Genome position (GRCh38, 1-based): chr14:58,442,779, G>A. VCF-style: chr14-58442779-G-A. GRCh37 (hg19) VCF-style: chr14-58909497-G-A.
Other names: c.643G>A, p.Val215Ile (NM_001244189.2); c.439G>A, p.Val147Ile (NM_001244190.2); c.229G>A, p.Val77Ile (NM_001244191.2, NM_001329945.2, NM_001364700.1 and 1 more transcripts); c.352G>A, p.Val118Ile (NM_001244192.2); c.64G>A, p.Val22Ile (NM_001244193.2); c.484G>A, p.Val162Ile (NM_001329944.2, NM_001329946.2, NM_001329947.2 and 1 more transcripts); short protein forms V118I, V147I, V162I, V215I, V22I, V77I.
Identifiers: ClinVar variation 998645 (VCV000998645.4), dbSNP rs540188519, ClinGen allele CA7205409.